The following is an entry in ClinVar:

ClinVar aggregate classification (germline): Uncertain significance. Review status: criteria provided, multiple submitters, no conflicts (2 of 4 stars). 5 submissions from 5 submitters: Uncertain significance (4). 1 of the submissions does not count toward it. Last evaluated 2024-06-27.

Conditions:
Familial hypocalciuric hypercalcemia (FHH). Also called: Familial benign hypercalcemia. Identifiers: Orphanet 405, MedGen C1809471, MONDO:0018458.
Autosomal dominant hypocalcemia 1 (HYPOC1). Also called: HYPOCALCEMIA, FAMILIAL. Identifiers: MedGen C3715128, MONDO:0011013, OMIM 601198.
Nephrolithiasis/nephrocalcinosis. Identifiers: MedGen CN580796.
Neonatal severe primary hyperparathyroidism. Identifiers: Orphanet 417, MedGen C1832615, MONDO:0009397, OMIM 239200.
Familial hypocalciuric hypercalcemia 1. Also called: Hypercalcemia, familial benign type 1. Identifiers: Orphanet 405, Orphanet 93372, MedGen C0342637, MONDO:0007791, OMIM 145980.
Epilepsy, idiopathic generalized, susceptibility to, 8. Identifiers: MedGen C2752062, MONDO:0013032, OMIM 612899.

Allele frequency attached by ClinVar (database versions not stated): gnomAD exomes below 0.00001 and 0.00001; ExAC 0.00001; gnomAD 0.00001; TOPMed 0.00001.
gnomAD v4.1: 3 of 1,613,748 alleles (0.00019%); highest among the groups gnomAD compares: Non-Finnish European, 0.00025%; no homozygotes.

Submissions (5):

Women's Health and Genetics/Laboratory Corporation of America, LabCorp
Classification: Uncertain significance. Last evaluated: 2024-06-27. Review status: criteria provided, single submitter. Criteria: LabCorp Variant Classification Summary - May 2015. Collection method: clinical testing. Allele origin: germline.
Comment: Variant summary: CASR c.269A>C (p.Asn90Thr) results in a non-conservative amino acid change located in the Receptor, ligand binding region (IPR001828) of the encoded protein sequence. Five of five in-silico tools predict a damaging effect of the variant on protein function. The variant allele was found at a frequency of 8e-06 in 251398 control chromosomes. The available data on variant occurrences in the general population are insufficient to allow any conclusion about variant significance. c.269A>C has been reported in the literature in individuals affected with Familial Hypocalciuric Hypercalcemia or Kidney Stone Disease (Nissen_2012, Anderegg_2024). These data do not allow any conclusion about variant significance. To our knowledge, no experimental evidence demonstrating an impact on protein function has been reported. The following publications have been ascertained in the context of this evaluation (PMID: 38544324, 22192860). ClinVar contains an entry for this variant (Variation ID: 35795). Based on the evidence outlined above, the variant was classified as uncertain significance.

Fulgent Genetics
Classification: Uncertain significance for Familial hypocalciuric hypercalcemia 1; Neonatal severe primary hyperparathyroidism; Autosomal dominant hypocalcemia 1; Epilepsy, idiopathic generalized, susceptibility to, 8. Last evaluated: 2024-02-23. Review status: criteria provided, single submitter. Criteria: ACMG Guidelines, 2015. Collection method: clinical testing. Allele origin: germline.

Labcorp Genetics (formerly Invitae), Labcorp
Classification: Uncertain significance for Familial hypocalciuric hypercalcemia; Autosomal dominant hypocalcemia 1. Last evaluated: 2023-12-26. Review status: criteria provided, single submitter. Criteria: Invitae Variant Classification Sherloc (09022015). Collection method: clinical testing. Allele origin: germline.
Comment: This sequence change replaces asparagine, which is neutral and polar, with threonine, which is neutral and polar, at codon 90 of the CASR protein (p.Asn90Thr). This variant is present in population databases (rs193922439, gnomAD 0.002%). This missense change has been observed in individual(s) with familial hypocalciuric hypercalcemia (PMID: 22192860). ClinVar contains an entry for this variant (Variation ID: 35795). An algorithm developed to predict the effect of missense changes on protein structure and function (PolyPhen-2) suggests that this variant is likely to be disruptive. In summary, the available evidence is currently insufficient to determine the role of this variant in disease. Therefore, it has been classified as a Variant of Uncertain Significance.

Ambry Genetics
Classification: Uncertain significance for Nephrolithiasis/nephrocalcinosis. Last evaluated: 2022-04-06. Review status: criteria provided, single submitter. Criteria: Ambry Variant Classification Scheme 2023. Collection method: clinical testing. Allele origin: germline.
Comment: The p.N90T variant (also known as c.269A>C), located in coding exon 2 of the CASR gene, results from an A to C substitution at nucleotide position 269. The asparagine at codon 90 is replaced by threonine, an amino acid with similar properties. This alteration was identified in an individual diagnosed with familial hypocalciuric hypercalcemia (Nissen PH et al. Clin Chim Acta, 2012 Mar;413:605-11). This amino acid position is highly conserved in available vertebrate species. In addition, the in silico prediction for this alteration is inconclusive. Since supporting evidence is limited at this time, the clinical significance of this alteration remains unclear.

Zotz-Klimas Genetics Lab, MVZ Zotz Klimas
Classification: Uncertain significance for Neonatal severe primary hyperparathyroidism. Last evaluated: 2023-10-30. Review status: no assertion criteria provided. Collection method: clinical testing. Allele origin: germline. Affected: yes. Not counted in ClinVar's aggregate classification.

Literature cited by the submitters: PubMed 22192860 (cited by 3 submitters); PubMed 38544324 (cited by Women's Health and Genetics/Laboratory Corporation of America, LabCorp).

NM_000388.4(CASR):c.269A>C (p.Asn90Thr)

Gene: CASR (calcium sensing receptor; plus strand). Cytogenetic location: 3q21.1.
Variant type: single nucleotide variant.
Coding change: c.269A>C on transcript NM_000388.4 (MANE Select); coding-DNA position 269, A replaced by C.
Protein change: p.Asn90Thr; replaces asparagine 90 with threonine.
Molecular consequence: missense variant.
Genome position (GRCh38, 1-based): chr3:122,257,164, A>C. VCF-style: chr3-122257164-A-C. GRCh37 (hg19) VCF-style: chr3-121976011-A-C.
Other names: c.269A>C, p.Asn90Thr (NM_001178065.2); short protein forms N90T.
Identifiers: ClinVar variation 35795 (VCV000035795.15), dbSNP rs193922439, ClinGen allele CA213593.